The following is an entry in ClinVar:

NM_147686.4(TRAF3IP2):c.221G>A (p.Arg74Gln)

Genes: TRAF3IP2 (TRAF3 interacting protein 2; minus strand), TRAF3IP2-AS1 (TRAF3IP2 antisense RNA 1; plus strand), LOC114803478 (TRAF3IP2 eExon liver enhancer; plus strand). Cytogenetic location: 6q21.
Variant type: single nucleotide variant.
Coding change: c.221G>A on transcript NM_147686.4 (MANE Select); coding-DNA position 221, G replaced by A.
Protein change: p.Arg74Gln; replaces arginine 74 with glutamine.
Molecular consequence: missense variant.
Genome position (GRCh38, 1-based): chr6:111,591,866, C>T on the plus strand (G>A on the coding strand, the complement: TRAF3IP2 is on the minus strand). VCF-style: chr6-111591866-C-T. GRCh37 (hg19) VCF-style: chr6-111913069-C-T.
Other names: c.221G>A, p.Arg74Gln (NM_001164281.3); c.248G>A, p.Arg83Gln (NM_147200.3); short protein forms R74Q, R83Q.
Identifiers: ClinVar variation 650314 (VCV000650314.8), dbSNP rs149247775, ClinGen allele CA3963365.

ClinVar aggregate classification (germline): Uncertain significance (1 of 4 stars; one submission).

Conditions:
Candidiasis, familial, 8 (CANDF8). Identifiers: Orphanet 1334, MedGen C3714992, MONDO:0014230, OMIM 615527.

Allele frequency attached by ClinVar (database versions not stated): gnomAD exomes below 0.00001 and 0.00001; ExAC 0.00001; TOPMed 0.00002; ESP Exome Variant Server 0.00008.
gnomAD v4.1: 17 of 1,614,034 alleles (0.0011%); highest among the groups gnomAD compares: African/African-American, 0.008%; no homozygotes.

Submission:

Labcorp Genetics (formerly Invitae), Labcorp
Classification: Uncertain significance for Candidiasis, familial, 8. Last evaluated: 2021-08-28. Review status: criteria provided, single submitter. Criteria: Invitae Variant Classification Sherloc (09022015). Collection method: clinical testing. Allele origin: germline.
Comment: This sequence change replaces arginine with glutamine at codon 74 of the TRAF3IP2 protein (p.Arg74Gln). The arginine residue is weakly conserved and there is a small physicochemical difference between arginine and glutamine. This variant is present in population databases (rs149247775, ExAC 0.01%). This variant has not been reported in the literature in individuals affected with TRAF3IP2-related conditions. Algorithms developed to predict the effect of missense changes on protein structure and function output the following: SIFT: "Tolerated"; PolyPhen-2: "Benign"; Align-GVGD: "Class C0". The glutamine amino acid residue is found in multiple mammalian species, which suggests that this missense change does not adversely affect protein function. In summary, the available evidence is currently insufficient to determine the role of this variant in disease. Therefore, it has been classified as a Variant of Uncertain Significance.